The following is an entry in ClinVar:

NM_014709.4(USP34):c.1901C>G (p.Pro634Arg)

Gene: USP34 (ubiquitin specific peptidase 34; minus strand). Cytogenetic location: 2p15.
Variant type: single nucleotide variant.
Coding change: c.1901C>G on transcript NM_014709.4 (MANE Select); coding-DNA position 1901, C replaced by G.
Protein change: p.Pro634Arg; replaces proline 634 with arginine.
Molecular consequence: missense variant.
Genome position (GRCh38, 1-based): chr2:61,348,254, G>C on the plus strand (C>G on the coding strand, the complement: USP34 is on the minus strand). VCF-style: chr2-61348254-G-C. GRCh37 (hg19) VCF-style: chr2-61575389-G-C.
Other names: short protein forms P634R.
Identifiers: ClinVar variation 4975101 (VCV004975101.1).

ClinVar aggregate classification (germline): Uncertain significance (1 of 4 stars; one submission).

Submission:

GeneDx
Classification: Uncertain significance. Last evaluated: 2025-01-15. Review status: criteria provided, single submitter. Criteria: GeneDx Variant Classification Process June 2021. Collection method: clinical testing. Allele origin: germline.
Comment: Not observed at significant frequency in large population cohorts (gnomAD); In silico analysis indicates that this missense variant does not alter protein structure/function; Has not been previously published as pathogenic or benign to our knowledge; Variants in candidate genes are classified as variants of uncertain significance in accordance with ACMG guidelines (PMID: 25741868)